The following is an entry in ClinVar:

ClinVar aggregate classification (germline): Benign. Review status: criteria provided, multiple submitters, no conflicts (2 of 4 stars). 3 submissions from 3 submitters: Benign (2). 1 of the submissions does not count toward it. Last evaluated 2026-02-01.

Conditions:
SAMD11-related disorder. Also called: SAMD11-related condition.

Allele frequency attached by ClinVar (database versions not stated): ExAC 0.00618; ESP Exome Variant Server 0.00835; gnomAD 0.00864 and 0.00931; TOPMed 0.00974; 1000 Genomes Project 0.01098; 1000 Genomes Project 30x 0.01109.
gnomAD v4.1: 2,567 of 1,547,212 alleles (0.17%); highest among the groups gnomAD compares: African/African-American, 3.1%; 46 homozygotes.

Submissions (3):

Labcorp Genetics (formerly Invitae), Labcorp
Classification: Benign. Last evaluated: 2026-02-01. Review status: criteria provided, single submitter. Criteria: Invitae Variant Classification Sherloc (09022015). Collection method: clinical testing. Allele origin: germline.

Breakthrough Genomics
Classification: Benign. Review status: criteria provided, single submitter. Criteria: ACMG Guidelines, 2015. Collection method: not provided. Allele origin: germline. Inheritance: Unknown mechanism. Affected: yes.

PreventionGenetics, part of Exact Sciences
Classification: Benign for SAMD11-related condition. Last evaluated: 2019-03-19. Review status: no assertion criteria provided. Collection method: clinical testing. Allele origin: germline. Not counted in ClinVar's aggregate classification.
Comment: This variant is classified as benign based on ACMG/AMP sequence variant interpretation guidelines (Richards et al. 2015 PMID: 25741868, with internal and published modifications).

NM_001385641.1(SAMD11):c.1940C>T (p.Pro647Leu)

Gene: SAMD11 (sterile alpha motif domain containing 11; plus strand). Cytogenetic location: 1p36.33.
Variant type: single nucleotide variant.
Coding change: c.1940C>T on transcript NM_001385641.1 (MANE Select); coding-DNA position 1940, C replaced by T.
Protein change: p.Pro647Leu; replaces proline 647 with leucine.
Molecular consequence: missense variant.
Genome position (GRCh38, 1-based): chr1:942,945, C>T. VCF-style: chr1-942945-C-T. GRCh37 (hg19) VCF-style: chr1-878325-C-T.
Other names: c.1943C>T, p.Pro648Leu (NM_001385640.1); c.1451C>T, p.Pro484Leu (NM_152486.4); c.1451C>T (NM_152486.2); short protein forms P484L, P647L, P648L.
Identifiers: ClinVar variation 1170437 (VCV001170437.10), dbSNP rs114478480, ClinGen allele CA503031.